The following is an entry in ClinVar:

ClinVar aggregate classification (germline): Uncertain significance (1 of 4 stars; one submission).

Conditions:
Cardiovascular phenotype. Identifiers: MedGen CN230736.

Submission:

Ambry Genetics
Classification: Uncertain significance for Cardiovascular phenotype. Last evaluated: 2024-07-11. Review status: criteria provided, single submitter. Criteria: Ambry Variant Classification Scheme 2023. Collection method: clinical testing. Allele origin: germline.
Comment: The p.A384V variant (also known as c.1151C>T), located in coding exon 8 of the FKTN gene, results from a C to T substitution at nucleotide position 1151. The alanine at codon 384 is replaced by valine, an amino acid with similar properties. This amino acid position is conserved. In addition, this alteration is predicted to be deleterious by in silico analysis. Based on the available evidence, the clinical significance of this variant remains unclear.

NM_001079802.2(FKTN):c.1151C>T (p.Ala384Val)

Gene: FKTN (fukutin; plus strand). Cytogenetic location: 9q31.2.
Variant type: single nucleotide variant.
Coding change: c.1151C>T on transcript NM_001079802.2 (MANE Select); coding-DNA position 1151, C replaced by T.
Protein change: p.Ala384Val; replaces alanine 384 with valine.
Molecular consequence: missense variant. On other transcripts: non-coding transcript variant (2).
Genome position (GRCh38, 1-based): chr9:105,620,040, C>T. VCF-style: chr9-105620040-C-T. GRCh37 (hg19) VCF-style: chr9-108382321-C-T.
Other names: c.1151C>T, p.Ala384Val (NM_001198963.2, NM_001351496.2, NM_001351498.2 and 1 more transcripts); c.1082C>T, p.Ala361Val (NM_001351497.2); c.755C>T, p.Ala252Val (NM_001351499.2, NM_001351500.2, NM_001351501.2 and 1 more transcripts); short protein forms A361V, A384V, A252V.
Identifiers: ClinVar variation 3515585 (VCV003515585.1).
Genomic context (GRCh38, chr9:105,620,040, plus strand): 5'-AACTTGATGTTTTTTTCTTCTATGAAGAAACTGATCACATGTGGAATGGAGGCACTCAGG[C>T]CAAAACAGGAAAAAAATTCAAGTATGAATCAAATAAGTACTTATTTATAAAGGTACTACA-3'
Protein context (NP_001073270.1, residues 374-394): TDHMWNGGTQ[Ala384Val]KTGKKFKYLF